The following is an entry in ClinVar:

ClinVar aggregate classification (germline): Uncertain significance (1 of 4 stars; one submission).

Allele frequency attached by ClinVar (database versions not stated): gnomAD exomes below 0.00001; gnomAD 0.00001.

Submission:

Labcorp Genetics (formerly Invitae), Labcorp
Classification: Uncertain significance. Last evaluated: 2022-03-01. Review status: criteria provided, single submitter. Criteria: Invitae Variant Classification Sherloc (09022015). Collection method: clinical testing. Allele origin: germline.
Comment: In summary, the available evidence is currently insufficient to determine the role of this variant in disease. Therefore, it has been classified as a Variant of Uncertain Significance. Algorithms developed to predict the effect of missense changes on protein structure and function (SIFT, PolyPhen-2, Align-GVGD) all suggest that this variant is likely to be tolerated. This variant has not been reported in the literature in individuals affected with SPEG-related conditions. This variant is not present in population databases (gnomAD no frequency). This sequence change replaces glycine, which is neutral and non-polar, with aspartic acid, which is acidic and polar, at codon 3266 of the SPEG protein (p.Gly3266Asp).

NM_005876.5(SPEG):c.9797G>A (p.Gly3266Asp)

Genes: ASIC4-AS1 (ASIC4 antisense RNA 1; minus strand), SPEG (striated muscle enriched protein kinase; plus strand). Cytogenetic location: 2q35.
Variant type: single nucleotide variant.
Coding change: c.9797G>A on transcript NM_005876.5 (MANE Select); coding-DNA position 9797, G replaced by A.
Protein change: p.Gly3266Asp; replaces glycine 3266 with aspartic acid.
Molecular consequence: missense variant.
Genome position (GRCh38, 1-based): chr2:219,492,779, G>A. VCF-style: chr2-219492779-G-A. GRCh37 (hg19) VCF-style: chr2-220357501-G-A.
Other names: short protein forms G3266D.
Identifiers: ClinVar variation 2101985 (VCV002101985.4), dbSNP rs1694097097, ClinGen allele CA350720345.